The following is an entry in ClinVar:

NM_006230.4(POLD2):c.202C>T (p.Arg68Trp)

Gene: POLD2 (DNA polymerase delta 2, accessory subunit; minus strand). Cytogenetic location: 7p13.
Variant type: single nucleotide variant.
Coding change: c.202C>T on transcript NM_006230.4 (MANE Select); coding-DNA position 202, C replaced by T.
Protein change: p.Arg68Trp; replaces arginine 68 with tryptophan.
Molecular consequence: missense variant.
Genome position (GRCh38, 1-based): chr7:44,121,852, G>A on the plus strand (C>T on the coding strand, the complement: POLD2 is on the minus strand). VCF-style: chr7-44121852-G-A. GRCh37 (hg19) VCF-style: chr7-44161451-G-A.
Other names: c.202C>T, p.Arg68Trp (NM_001127218.3, NM_001256879.2); short protein forms R68W.
Identifiers: ClinVar variation 2876298 (VCV002876298.3), dbSNP rs772234118, ClinGen allele CA4238962.

ClinVar aggregate classification (germline): Uncertain significance (1 of 4 stars; one submission).

Allele frequency attached by ClinVar (database versions not stated): TOPMed below 0.00001.

Submission:

Labcorp Genetics (formerly Invitae), Labcorp
Classification: Uncertain significance. Last evaluated: 2024-11-21. Review status: criteria provided, single submitter. Criteria: Invitae Variant Classification Sherloc (09022015). Collection method: clinical testing. Allele origin: germline.
Comment: This sequence change replaces arginine, which is basic and polar, with tryptophan, which is neutral and slightly polar, at codon 103 of the POLD2 protein (p.Arg103Trp). This variant is present in population databases (rs772234118, gnomAD 0.01%). This variant has not been reported in the literature in individuals affected with POLD2-related conditions. ClinVar contains an entry for this variant (Variation ID: 2876298). Experimental studies and prediction algorithms are not available or were not evaluated, and the functional significance of this variant is currently unknown. In summary, the available evidence is currently insufficient to determine the role of this variant in disease. Therefore, it has been classified as a Variant of Uncertain Significance.